The following is an entry in ClinVar:

NM_000396.4(CTSK):c.244-2A>T

Gene: CTSK (cathepsin K; minus strand). Cytogenetic location: 1q21.3.
Variant type: single nucleotide variant.
Coding change: c.244-2A>T on transcript NM_000396.4 (MANE Select); the canonical splice acceptor site of the intron before coding-DNA position 244, A replaced by T.
Molecular consequence: splice acceptor variant.
Genome position (GRCh38, 1-based): chr1:150,806,018, T>A on the plus strand (A>T on the coding strand, the complement: CTSK is on the minus strand). VCF-style: chr1-150806018-T-A. GRCh37 (hg19) VCF-style: chr1-150778494-T-A.
Identifiers: ClinVar variation 1492238 (VCV001492238.8), dbSNP rs112299095, ClinGen allele CA30099025.

ClinVar aggregate classification (germline): Likely pathogenic (1 of 4 stars; one submission).

Submission:

Labcorp Genetics (formerly Invitae), Labcorp
Classification: Likely pathogenic. Last evaluated: 2021-06-01. Review status: criteria provided, single submitter. Criteria: Invitae Variant Classification Sherloc (09022015). Collection method: clinical testing. Allele origin: germline.
Comment: This sequence change affects an acceptor splice site in intron 3 of the CTSK gene. It is expected to disrupt RNA splicing. Variants that disrupt the donor or acceptor splice site typically lead to a loss of protein function (PMID: 16199547), and loss-of-function variants in CTSK are known to be pathogenic (PMID: 12125807, 21569238). In summary, the currently available evidence indicates that the variant is pathogenic, but additional data are needed to prove that conclusively. Therefore, this variant has been classified as Likely Pathogenic. Algorithms developed to predict the effect of sequence changes on RNA splicing suggest that this variant may disrupt the consensus splice site, but this prediction has not been confirmed by published transcriptional studies. This variant has not been reported in the literature in individuals with CTSK-related conditions. This variant is not present in population databases (ExAC no frequency).

Literature cited by the submitters: PubMed 16199547; PubMed 12125807; PubMed 21569238.